The following is an entry in ClinVar:

ClinVar aggregate classification (germline): Uncertain significance. Review status: criteria provided, multiple submitters, no conflicts (2 of 4 stars). 3 submissions from 3 submitters: Uncertain significance (3). Last evaluated 2026-06-13.

Conditions:
Hereditary cancer-predisposing syndrome. Also called: Neoplastic Syndromes, Hereditary; Tumor predisposition; Hereditary Cancer Syndrome; Hereditary neoplastic syndrome. Identifiers: Orphanet 140162, MedGen C0027672, MeSH D009386, MONDO:0015356.
Familial adenomatous polyposis 1 (FAP1). Also called: FAMILIAL ADENOMATOUS POLYPOSIS 1, ATTENUATED; POLYPOSIS, ADENOMATOUS INTESTINAL. Identifiers: MedGen C2713442, MONDO:0021056, OMIM 175100. Disease mechanism: loss of function.

Submissions (3):

Ambry Genetics
Classification: Uncertain significance for Hereditary cancer-predisposing syndrome. Last evaluated: 2026-06-13. Review status: criteria provided, single submitter. Criteria: Ambry Variant Classification Scheme 2023. Collection method: clinical testing. Allele origin: germline.
Comment: The p.I1025M variant (also known as c.3075A>G), located in coding exon 15 of the APC gene, results from an A to G substitution at nucleotide position 3075. The isoleucine at codon 1025 is replaced by methionine, an amino acid with highly similar properties. This amino acid position is conserved. In addition, in silico predictors for this gene do not accurately predict pathogenicity. Based on the available evidence, the clinical significance of this variant remains unclear.

Labcorp Genetics (formerly Invitae), Labcorp
Classification: Uncertain significance for Familial adenomatous polyposis 1. Last evaluated: 2024-05-11. Review status: criteria provided, single submitter. Criteria: Invitae Variant Classification Sherloc (09022015). Collection method: clinical testing. Allele origin: germline.
Comment: This sequence change replaces isoleucine, which is neutral and non-polar, with methionine, which is neutral and non-polar, at codon 1025 of the APC protein (p.Ile1025Met). This variant is not present in population databases (gnomAD no frequency). This variant has not been reported in the literature in individuals affected with APC-related conditions. ClinVar contains an entry for this variant (Variation ID: 2572920). Advanced modeling of protein sequence and biophysical properties (such as structural, functional, and spatial information, amino acid conservation, physicochemical variation, residue mobility, and thermodynamic stability) performed at Invitae indicates that this missense variant is not expected to disrupt APC protein function with a negative predictive value of 95%. In summary, the available evidence is currently insufficient to determine the role of this variant in disease. Therefore, it has been classified as a Variant of Uncertain Significance.

GeneDx
Classification: Uncertain significance. Last evaluated: 2023-01-17. Review status: criteria provided, single submitter. Criteria: GeneDx Variant Classification Process June 2021. Collection method: clinical testing. Allele origin: germline. Affected: yes.
Comment: Not observed at significant frequency in large population cohorts (gnomAD); In silico analysis supports that this missense variant does not alter protein structure/function; Has not been previously published as pathogenic or benign to our knowledge; This variant is associated with the following publications: (PMID: 18199528)

NM_000038.6(APC):c.3075A>G (p.Ile1025Met)

Gene: APC (APC regulator of Wnt signaling pathway; plus strand). Cytogenetic location: 5q22.2.
Variant type: single nucleotide variant.
Coding change: c.3075A>G on transcript NM_000038.6 (MANE Select); coding-DNA position 3075, A replaced by G.
Protein change: p.Ile1025Met; replaces isoleucine 1025 with methionine.
Molecular consequence: missense variant. On other transcripts: non-coding transcript variant (2).
Genome position (GRCh38, 1-based): chr5:112,838,669, A>G. VCF-style: chr5-112838669-A-G. GRCh37 (hg19) VCF-style: chr5-112174366-A-G.
Other names: c.3075A>G, p.Ile1025Met (NM_001127510.3, NM_001354895.2, NM_001407450.1); c.3021A>G, p.Ile1007Met (NM_001127511.3); c.3129A>G, p.Ile1043Met (NM_001354896.2, NM_001407447.1, NM_001407448.1 and 1 more transcripts); c.3105A>G, p.Ile1035Met (NM_001354897.2); c.3000A>G, p.Ile1000Met (NM_001354898.2); c.2991A>G, p.Ile997Met (NM_001354899.2); c.2952A>G, p.Ile984Met (NM_001354900.2); c.2898A>G, p.Ile966Met (NM_001354901.2, NM_001407453.1); and 11 more; short protein forms I1000M, I1007M, I1015M, I1018M, I1025M, I1035M, I1043M, I1053M.
Identifiers: ClinVar variation 2572920 (VCV002572920.5), dbSNP rs2149883776, ClinGen allele CA16028066.